The following is an entry in ClinVar:

NM_001378969.1(KCND3):c.1040C>T (p.Ser347Leu)

Gene: KCND3 (potassium voltage-gated channel subfamily D member 3; minus strand). Cytogenetic location: 1p13.2.
Variant type: single nucleotide variant.
Coding change: c.1040C>T on transcript NM_001378969.1 (MANE Select); coding-DNA position 1040, C replaced by T.
Protein change: p.Ser347Leu; replaces serine 347 with leucine.
Molecular consequence: missense variant.
Genome position (GRCh38, 1-based): chr1:111,981,687, G>A on the plus strand (C>T on the coding strand, the complement: KCND3 is on the minus strand). VCF-style: chr1-111981687-G-A. GRCh37 (hg19) VCF-style: chr1-112524309-G-A.
Other names: c.1040C>T, p.Ser347Leu (NM_001378970.1, NM_004980.5, NM_172198.3); short protein forms S347L.
Identifiers: ClinVar variation 2995416 (VCV002995416.3), dbSNP rs2525696762, ClinGen allele CA341820634.

ClinVar aggregate classification (germline): Uncertain significance (1 of 4 stars; one submission).

Conditions:
Spinocerebellar ataxia type 19/22 (SCA19). Also called: SPINOCEREBELLAR ATAXIA 19; SPINOCEREBELLAR ATAXIA 22. Identifiers: Orphanet 98772, MedGen C1846367, MONDO:0011819, OMIM 607346.

Allele frequency attached by ClinVar (database versions not stated): gnomAD exomes below 0.00001.
gnomAD v4.1: 1 of 1,614,174 alleles (0.000062%); highest among the groups gnomAD compares: Non-Finnish European, 0.000085%; no homozygotes.

Submission:

Labcorp Genetics (formerly Invitae), Labcorp
Classification: Uncertain significance for Spinocerebellar ataxia type 19/22. Last evaluated: 2023-09-15. Review status: criteria provided, single submitter. Criteria: Invitae Variant Classification Sherloc (09022015). Collection method: clinical testing. Allele origin: germline.
Comment: This sequence change replaces serine, which is neutral and polar, with leucine, which is neutral and non-polar, at codon 347 of the KCND3 protein (p.Ser347Leu). This variant is not present in population databases (gnomAD no frequency). This variant has not been reported in the literature in individuals affected with KCND3-related conditions. Advanced modeling of protein sequence and biophysical properties (such as structural, functional, and spatial information, amino acid conservation, physicochemical variation, residue mobility, and thermodynamic stability) performed at Invitae indicates that this missense variant is not expected to disrupt KCND3 protein function. In summary, the available evidence is currently insufficient to determine the role of this variant in disease. Therefore, it has been classified as a Variant of Uncertain Significance.